The following is an entry in ClinVar:

NM_020806.5(GPHN):c.734A>C (p.His245Pro)

Gene: GPHN (gephyrin; plus strand). Cytogenetic location: 14q23.3.
Variant type: single nucleotide variant.
Coding change: c.734A>C on transcript NM_020806.5 (MANE Select); coding-DNA position 734, A replaced by C.
Protein change: p.His245Pro; replaces histidine 245 with proline.
Molecular consequence: missense variant. On other transcripts: intron variant (7).
Genome position (GRCh38, 1-based): chr14:66,924,198, A>C. VCF-style: chr14-66924198-A-C. GRCh37 (hg19) VCF-style: chr14-67390915-A-C.
Other names: c.768+1260A>C (NM_001377514.1, NM_001377519.1); c.729+1260A>C (NM_001377515.1, NM_001377516.1, NM_001377518.1 and 2 more transcripts); short protein forms H245P.
Identifiers: ClinVar variation 2016611 (VCV002016611.4), dbSNP rs2549619585, ClinGen allele CA390256605.

ClinVar aggregate classification (germline): Uncertain significance (1 of 4 stars; one submission).

Conditions:
Sulfite oxidase deficiency due to molybdenum cofactor deficiency type C. Also called: Molybdenum cofactor deficiency, complementation group C; Molybdenum cofactor deficiency C. Identifiers: Orphanet 308400, Orphanet 833, MedGen C1854990, MONDO:0014212, OMIM 615501.

Submission:

Labcorp Genetics (formerly Invitae), Labcorp
Classification: Uncertain significance for Sulfite oxidase deficiency due to molybdenum cofactor deficiency type C. Last evaluated: 2024-05-15. Review status: criteria provided, single submitter. Criteria: Invitae Variant Classification Sherloc (09022015). Collection method: clinical testing. Allele origin: germline.
Comment: This sequence change replaces histidine, which is basic and polar, with proline, which is neutral and non-polar, at codon 245 of the GPHN protein (p.His245Pro). This variant is not present in population databases (gnomAD no frequency). This variant has not been reported in the literature in individuals affected with GPHN-related conditions. ClinVar contains an entry for this variant (Variation ID: 2016611). An algorithm developed to predict the effect of missense changes on protein structure and function (PolyPhen-2) suggests that this variant is likely to be tolerated. In summary, the available evidence is currently insufficient to determine the role of this variant in disease. Therefore, it has been classified as a Variant of Uncertain Significance.